The following is an entry in ClinVar:

ClinVar aggregate classification (germline): Conflicting classifications of pathogenicity. Review status: criteria provided, conflicting classifications (1 of 4 stars). 3 submissions from 3 submitters: Uncertain significance (1); Likely benign (2). Last evaluated 2025-12-22.

Conditions:
ABCA4-related disorder. Also called: ABCA4-related disorders; ABCA4-related condition. Identifiers: MedGen CN239167.

Allele frequency attached by ClinVar (database versions not stated): gnomAD exomes 0.00002 and 0.00008; ExAC 0.00012; 1000 Genomes Project 30x 0.00016; 1000 Genomes Project 0.00020; TOPMed 0.00031; gnomAD 0.00034; ESP Exome Variant Server 0.00054.
gnomAD v4.1: 87 of 1,614,018 alleles (0.0054%); highest among the groups gnomAD compares: African/African-American, 0.1%; no homozygotes.

Submissions (3):

Labcorp Genetics (formerly Invitae), Labcorp
Classification: Likely benign. Last evaluated: 2025-12-22. Review status: criteria provided, single submitter. Criteria: Invitae Variant Classification Sherloc (09022015). Collection method: clinical testing. Allele origin: germline.

PreventionGenetics, part of Exact Sciences
Classification: Likely benign for ABCA4-related condition. Last evaluated: 2025-05-13. Review status: criteria provided, single submitter. Criteria: ACMG Guidelines, 2015. Collection method: clinical testing. Allele origin: germline.
Comment: This variant is classified as likely benign based on ACMG/AMP sequence variant interpretation guidelines (Richards et al. 2015 PMID: 25741868, with internal and published modifications).

Blueprint Genetics
Classification: Uncertain significance. Last evaluated: 2022-09-05. Review status: criteria provided, single submitter. Criteria: ACMG Guidelines, 2015. Collection method: clinical testing. Allele origin: germline.

NM_000350.3(ABCA4):c.5586T>A (p.Gly1862=)

Gene: ABCA4 (ATP binding cassette subfamily A member 4; minus strand). Cytogenetic location: 1p22.1.
Variant type: single nucleotide variant.
Coding change: c.5586T>A on transcript NM_000350.3 (MANE Select); coding-DNA position 5586, T replaced by A.
Protein change: p.Gly1862=; no amino-acid change (glycine 1862 retained).
Molecular consequence: synonymous variant.
Genome position (GRCh38, 1-based): chr1:94,010,928, A>T on the plus strand (T>A on the coding strand, the complement: ABCA4 is on the minus strand). VCF-style: chr1-94010928-A-T. GRCh37 (hg19) VCF-style: chr1-94476484-A-T.
Other names: c.5364T>A, p.Gly1788= (NM_001425324.1); c.5586T>A (NM_000350.2).
Identifiers: ClinVar variation 1100496 (VCV001100496.11), dbSNP rs150257214, ClinGen allele CA957200.